The following is an entry in ClinVar:

NM_016292.3(TRAP1):c.1901G>A (p.Arg634His)

Genes: TRAP1 (TNF receptor associated protein 1; minus strand), DNASE1 (deoxyribonuclease 1; plus strand). Cytogenetic location: 16p13.3.
Variant type: single nucleotide variant.
Coding change: c.1901G>A on transcript NM_016292.3 (MANE Select); coding-DNA position 1901, G replaced by A.
Protein change: p.Arg634His; replaces arginine 634 with histidine.
Molecular consequence: missense variant. On other transcripts: intron variant (1).
Genome position (GRCh38, 1-based): chr16:3,662,026, C>T on the plus strand (G>A on the coding strand, the complement: TRAP1 is on the minus strand). VCF-style: chr16-3662026-C-T. GRCh37 (hg19) VCF-style: chr16-3712027-C-T.
Other names: c.1742G>A, p.Arg581His (NM_001272049.2); c.*22-620C>T (NM_001387140.1); short protein forms R581H, R634H.
Identifiers: ClinVar variation 2978693 (VCV002978693.4), dbSNP rs1002016730, ClinGen allele CA276975503.

ClinVar aggregate classification (germline): Uncertain significance. Review status: criteria provided, multiple submitters, no conflicts (2 of 4 stars). 2 submissions from 2 submitters: Uncertain significance (2). Last evaluated 2025-03-09.

Allele frequency attached by ClinVar (database versions not stated): TOPMed 0.00003; gnomAD 0.00004; gnomAD exomes 0.00001.
gnomAD v4.1: 19 of 1,612,902 alleles (0.0012%); highest among the groups gnomAD compares: East Asian, 0.0045%; no homozygotes.

Submissions (2):

Ambry Genetics
Classification: Uncertain significance. Last evaluated: 2025-03-09. Review status: criteria provided, single submitter. Criteria: Ambry Variant Classification Scheme 2023. Collection method: clinical testing. Allele origin: germline.

Labcorp Genetics (formerly Invitae), Labcorp
Classification: Uncertain significance. Last evaluated: 2023-08-04. Review status: criteria provided, single submitter. Criteria: Invitae Variant Classification Sherloc (09022015). Collection method: clinical testing. Allele origin: germline.
Comment: In summary, the available evidence is currently insufficient to determine the role of this variant in disease. Therefore, it has been classified as a Variant of Uncertain Significance. Advanced modeling of protein sequence and biophysical properties (such as structural, functional, and spatial information, amino acid conservation, physicochemical variation, residue mobility, and thermodynamic stability) performed at Invitae indicates that this missense variant is not expected to disrupt TRAP1 protein function. This variant has not been reported in the literature in individuals affected with TRAP1-related conditions. This variant is present in population databases (no rsID available, gnomAD 0.0009%). This sequence change replaces arginine, which is basic and polar, with histidine, which is basic and polar, at codon 634 of the TRAP1 protein (p.Arg634His).